The following is an entry in ClinVar:

NM_031427.4(DNAL1):c.43-4A>G

Gene: DNAL1 (dynein axonemal light chain 1; plus strand). Cytogenetic location: 14q24.3.
Variant type: single nucleotide variant.
Coding change: c.43-4A>G on transcript NM_031427.4 (MANE Select); 4 bases into the intron before coding-DNA position 43, A replaced by G.
Molecular consequence: intron variant.
Genome position (GRCh38, 1-based): chr14:73,658,843, A>G. VCF-style: chr14-73658843-A-G. GRCh37 (hg19) VCF-style: chr14-74125546-A-G.
Other names: c.-75-4A>G (NM_001201366.2).
Identifiers: ClinVar variation 261960 (VCV000261960.3), dbSNP rs748496499, ClinGen allele CA7261409.

ClinVar aggregate classification (germline): Conflicting classifications of pathogenicity. Review status: criteria provided, conflicting classifications (1 of 4 stars). 2 submissions from 2 submitters: Uncertain significance (1); Likely benign (1). Last evaluated 2019-05-16.

Conditions:
Primary ciliary dyskinesia 16. Also called: CILIARY DYSKINESIA, PRIMARY, 16, WITH OR WITHOUT SITUS INVERSUS. Identifiers: Orphanet 244, MedGen C3151460, MONDO:0013525, OMIM 614017.

Allele frequency attached by ClinVar (database versions not stated): gnomAD exomes 0.00004 and 0.00001; ExAC 0.00005.
gnomAD v4.1: 14 of 1,598,172 alleles (0.00088%); highest among the groups gnomAD compares: South Asian, 0.012%; no homozygotes.

Submissions (2):

Labcorp Genetics (formerly Invitae), Labcorp
Classification: Uncertain significance for Ciliary dyskinesia, primary, 16. Last evaluated: 2019-05-16. Review status: criteria provided, single submitter. Criteria: Invitae Variant Classification Sherloc (09022015). Collection method: clinical testing. Allele origin: germline.
Comment: This sequence change falls in intron 2 of the DNAL1 gene. It does not directly change the encoded amino acid sequence of the DNAL1 protein. This variant is present in population databases (rs748496499, ExAC 0.04%). This variant has not been reported in the literature in individuals with a DNAL1-related disease. ClinVar contains an entry for this variant (Variation ID: 261960). Algorithms developed to predict the effect of sequence changes on RNA splicing suggest that this variant may create or strengthen a splice site, but this prediction has not been confirmed by published transcriptional studies. In summary, this variant has uncertain impact on DNAL1 function. The available evidence is currently insufficient to determine its role in disease. Therefore, it has been classified as a Variant of Uncertain Significance.

PreventionGenetics, part of Exact Sciences
Classification: Likely benign. Review status: criteria provided, single submitter. Criteria: ACMG Guidelines, 2015. Collection method: clinical testing. Allele origin: germline.